The following is an entry in ClinVar:

ClinVar aggregate classification (germline): Likely pathogenic (1 of 4 stars; one submission).

Conditions:
X-linked cone-rod dystrophy 1 (CORDX1). Identifiers: Orphanet 1872, MedGen C1844776, MONDO:0010566, OMIM 304020.

Submission:

SingHealth Duke-NUS Institute of Precision Medicine
Classification: Likely pathogenic for X-linked cone-rod dystrophy 1. Last evaluated: 2025-02-05. Review status: criteria provided, single submitter. Criteria: PRISM ACMG Classification Criteria. Collection method: clinical testing. Allele origin: germline. Affected: yes.
Comment: Variant is predicted to cause LOF (PVS1). Variant is not found in gnomAD genomes or exomes (PM2)

NM_001034853.2(RPGR):c.3045del (p.Glu1016fs)

Gene: RPGR (retinitis pigmentosa GTPase regulator; minus strand). Cytogenetic location: Xp11.4.
Variant type: Deletion.
Coding change: c.3045del on transcript NM_001034853.2 (MANE Select); coding-DNA position 3045, one base deleted (A; older notation c.3045delA).
Protein change: p.Glu1016fs; shifts the reading frame from glutamic acid 1016.
Molecular consequence: frameshift variant. On other transcripts: intron variant (8).
Genome position (GRCh38, 1-based): chrX:38,285,954, T deleted on the plus strand (A on the coding strand, the reverse complement: RPGR is on the minus strand); the first of 2 consecutive T bases (chrX:38,285,954-38,285,955); deleting either gives the same sequence. VCF-style (leftmost placement, unchanged base first): chrX-38285953-CT-C. GRCh37 (hg19) VCF-style: chrX-38145206-CT-C.
Other names: c.1569+5005del (NM_001367249.1, NM_001367250.1); c.1902+1140del (NM_001367245.1); c.1386+5005del (NM_001367251.1); c.1719+1140del (NM_001367246.1); c.1572+5005del (NM_001367247.1); c.1905+1140del (NM_000328.3); c.1602+5005del (NM_001367248.1); short protein forms E1016fs.
Identifiers: ClinVar variation 3767371 (VCV003767371.1).
Genomic context (GRCh38, chrX:38,285,953, plus strand): 5'-CCTCTCCTTCCCCCTCTCCTTCCTCCCCTTCCACCTCCCCTTCCACTTCCCCTTCCTCTT[CT>C]TCCTCCCCTTCTCCCTCCCCTTCTTCCTCTCCCTCTCCTTCTTCCTCCCCTTCTTCTTCC-3'